The following is an entry in ClinVar:

NM_002474.3(MYH11):c.5578G>A (p.Asp1860Asn)

Genes: MYH11 (myosin heavy chain 11; minus strand), NDE1 (nudE neurodevelopment protein 1; plus strand). Cytogenetic location: 16p13.11.
Variant type: single nucleotide variant.
Coding change: c.5578G>A on transcript NM_002474.3 (MANE Select); coding-DNA position 5578, G replaced by A.
Protein change: p.Asp1860Asn; replaces aspartic acid 1860 with asparagine.
Molecular consequence: missense variant. On other transcripts: intron variant (2).
Genome position (GRCh38, 1-based): chr16:15,715,199, C>T on the plus strand (G>A on the coding strand, the complement: MYH11 is on the minus strand). VCF-style: chr16-15715199-C-T. GRCh37 (hg19) VCF-style: chr16-15809056-C-T.
Other names: c.5599G>A, p.Asp1867Asn (NM_001040113.2, NM_001040114.2); c.5578G>A, p.Asp1860Asn (NM_022844.3); c.948-8992C>T (NM_001143979.2, NM_017668.3); short protein forms D1867N, D1860N.
Identifiers: ClinVar variation 2773786 (VCV002773786.2), dbSNP rs2510049289, ClinGen allele CA394847327.

ClinVar aggregate classification (germline): Uncertain significance (1 of 4 stars; one submission).

Conditions:
Familial thoracic aortic aneurysm and aortic dissection (TAAD). Also called: Thoracic aortic aneurysms and dissections. Identifiers: Orphanet 91387, MedGen C4707243, MONDO:0019625.

Allele frequency attached by ClinVar (database versions not stated): gnomAD exomes below 0.00001.
gnomAD v4.1: 3 of 1,614,056 alleles (0.00019%); highest among the groups gnomAD compares: Non-Finnish European, 0.00025%; no homozygotes.

Submission:

Color Diagnostics, LLC DBA Color Health
Classification: Uncertain significance for Familial thoracic aortic aneurysm and aortic dissection. Last evaluated: 2024-03-06. Review status: criteria provided, single submitter. Criteria: ACMG Guidelines, 2015. Collection method: clinical testing. Allele origin: germline.
Comment: This missense variant replaces aspartic acid with asparagine at codon 1867 of the MYH11 protein. Computational prediction suggests that this variant may have deleterious impact on protein structure and function (internally defined REVEL score threshold >= 0.7, PMID: 27666373). To our knowledge, functional studies have not been reported for this variant. This variant has not been reported in individuals affected with cardiovascular disorders in the literature. This variant has not been identified in the general population by the Genome Aggregation Database (gnomAD). The available evidence is insufficient to determine the role of this variant in disease conclusively. Therefore, this variant is classified as a Variant of Uncertain Significance.